The following is an entry in ClinVar:

ClinVar aggregate classification (germline): Uncertain significance. Review status: criteria provided, multiple submitters, no conflicts (2 of 4 stars). 2 submissions from 2 submitters: Uncertain significance (2). Last evaluated 2024-12-02.

Conditions:
Inborn genetic diseases. Identifiers: MedGen C0950123, MeSH D030342.

gnomAD v4.1: 3 of 1,614,212 alleles (0.00019%); highest among the groups gnomAD compares: Admixed American, 0.0017%; no homozygotes.

Submissions (2):

Ambry Genetics
Classification: Uncertain significance for Inborn genetic diseases. Last evaluated: 2024-12-02. Review status: criteria provided, single submitter. Criteria: Ambry Variant Classification Scheme 2023. Collection method: clinical testing. Allele origin: germline.

Labcorp Genetics (formerly Invitae), Labcorp
Classification: Uncertain significance. Last evaluated: 2024-06-30. Review status: criteria provided, single submitter. Criteria: Invitae Variant Classification Sherloc (09022015). Collection method: clinical testing. Allele origin: germline.
Comment: This sequence change replaces histidine, which is basic and polar, with arginine, which is basic and polar, at codon 1327 of the NLRP1 protein (p.His1327Arg). This variant is present in population databases (rs774689496, gnomAD 0.0009%). This variant has not been reported in the literature in individuals affected with NLRP1-related conditions. ClinVar contains an entry for this variant (Variation ID: 1501159). An algorithm developed to predict the effect of missense changes on protein structure and function (PolyPhen-2) suggests that this variant is likely to be disruptive. In summary, the available evidence is currently insufficient to determine the role of this variant in disease. Therefore, it has been classified as a Variant of Uncertain Significance.

NM_033004.4(NLRP1):c.3980A>G (p.His1327Arg)

Gene: NLRP1 (NLR family pyrin domain containing 1; minus strand). Cytogenetic location: 17p13.2.
Variant type: single nucleotide variant.
Coding change: c.3980A>G on transcript NM_033004.4 (MANE Select); coding-DNA position 3980, A replaced by G.
Protein change: p.His1327Arg; replaces histidine 1327 with arginine.
Molecular consequence: missense variant.
Genome position (GRCh38, 1-based): chr17:5,517,823, T>C on the plus strand (A>G on the coding strand, the complement: NLRP1 is on the minus strand). VCF-style: chr17-5517823-T-C. GRCh37 (hg19) VCF-style: chr17-5421143-T-C.
Other names: c.3992A>G, p.His1331Arg (NM_001033053.3); c.3848A>G, p.His1283Arg (NM_014922.5); c.3890A>G, p.His1297Arg (NM_033006.4); c.3758A>G, p.His1253Arg (NM_033007.4); c.3980A>G (NM_033004.3); short protein forms H1253R, H1327R, H1283R, H1331R, H1297R.
Identifiers: ClinVar variation 1501159 (VCV001501159.7), dbSNP rs774689496, ClinGen allele CA287275543.